The following is an entry in ClinVar:

NM_152743.4(BRAT1):c.1880C>T (p.Ala627Val)

Gene: BRAT1 (BRCA1 associated ATM activator 1; minus strand). Cytogenetic location: 7p22.3.
Variant type: single nucleotide variant.
Coding change: c.1880C>T on transcript NM_152743.4 (MANE Select); coding-DNA position 1880, C replaced by T.
Protein change: p.Ala627Val; replaces alanine 627 with valine.
Molecular consequence: missense variant. On other transcripts: non-coding transcript variant (1).
Genome position (GRCh38, 1-based): chr7:2,538,655, G>A on the plus strand (C>T on the coding strand, the complement: BRAT1 is on the minus strand). VCF-style: chr7-2538655-G-A. GRCh37 (hg19) VCF-style: chr7-2578289-G-A.
Other names: c.2060C>T, p.Ala687Val (NM_001350626.2); c.1355C>T, p.Ala452Val (NM_001350627.2); short protein forms A627V, A687V, A452V.
Identifiers: ClinVar variation 956872 (VCV000956872.7), dbSNP rs767664883, ClinGen allele CA4127527.
Genomic context (GRCh38, chr7:2,538,655, plus strand): 5'-TCCAGGTCTCGGCTCGCCGCCTGCAGCACAGTGGCCACGAACTGCTCCGTGTCCTGGGCC[G>A]CGTCGGCGTGGCCGTCCCGCAGCCACTCAGTGAAGACTTGCATGACCGCCCGCCGTGGGA-3'
Protein context (NP_689956.2, residues 617-637): TEWLRDGHAD[Ala627Val]AQDTEQFVAT

ClinVar aggregate classification (germline): Conflicting classifications of pathogenicity. Review status: criteria provided, conflicting classifications (1 of 4 stars). 2 submissions from 2 submitters: Uncertain significance (1); Likely benign (1). Last evaluated 2022-08-23.

Conditions:
Neonatal-onset encephalopathy with rigidity and seizures. Also called: Lethal neonatal spasticity-epileptic encephalopathy syndrome. Identifiers: Orphanet 435845, MedGen C3281029, MONDO:0013784, OMIM 614498.
Inborn genetic diseases. Identifiers: MedGen C0950123, MeSH D030342.

Allele frequency attached by ClinVar (database versions not stated): ExAC 0.00001; gnomAD 0.00001; gnomAD exomes 0.00003; TOPMed 0.00003.
gnomAD v4.1: 49 of 1,598,184 alleles (0.0031%); highest among the groups gnomAD compares: East Asian, 0.0067%; no homozygotes.

Submissions (2):

Labcorp Genetics (formerly Invitae), Labcorp
Classification: Uncertain significance for Neonatal-onset encephalopathy with rigidity and seizures. Last evaluated: 2022-08-23. Review status: criteria provided, single submitter. Criteria: Invitae Variant Classification Sherloc (09022015). Collection method: clinical testing. Allele origin: germline.
Comment: This sequence change replaces alanine, which is neutral and non-polar, with valine, which is neutral and non-polar, at codon 627 of the BRAT1 protein (p.Ala627Val). This variant is present in population databases (rs767664883, gnomAD 0.02%). This variant has not been reported in the literature in individuals affected with BRAT1-related conditions. ClinVar contains an entry for this variant (Variation ID: 956872). Algorithms developed to predict the effect of missense changes on protein structure and function output the following: SIFT: "Tolerated"; PolyPhen-2: "Benign"; Align-GVGD: "Class C0". The valine amino acid residue is found in multiple mammalian species, which suggests that this missense change does not adversely affect protein function. In summary, the available evidence is currently insufficient to determine the role of this variant in disease. Therefore, it has been classified as a Variant of Uncertain Significance.

Ambry Genetics
Classification: Likely benign for Inborn genetic diseases. Last evaluated: 2021-08-02. Review status: criteria provided, single submitter. Criteria: Ambry Variant Classification Scheme 2023. Collection method: clinical testing. Allele origin: germline.